The following is an entry in ClinVar:

NM_000138.5(FBN1):c.1428C>G (p.Cys476Trp)

Gene: FBN1 (fibrillin 1; minus strand). Cytogenetic location: 15q21.1.
Variant type: single nucleotide variant.
Coding change: c.1428C>G on transcript NM_000138.5 (MANE Select); coding-DNA position 1428, C replaced by G.
Protein change: p.Cys476Trp; replaces cysteine 476 with tryptophan.
Molecular consequence: missense variant.
Genome position (GRCh38, 1-based): chr15:48,515,427, G>C on the plus strand (C>G on the coding strand, the complement: FBN1 is on the minus strand). VCF-style: chr15-48515427-G-C. GRCh37 (hg19) VCF-style: chr15-48807624-G-C.
Other names: c.1428C>G, p.Cys476Trp (NM_001406716.1); short protein forms C476W.
Identifiers: ClinVar variation 1772413 (VCV001772413.5), dbSNP rs2505617492, ClinGen allele CA392343745.
Genomic context (GRCh38, chr15:48,515,427, plus strand): 5'-ACCTAGGATGGATCACGTACCAATACACTCCCCACGGAGGTCCAGCTGGAACCCTTTGTT[G>C]CACTCACACCGGTAACTCCCAGGAGTTGGAATGCAGCGTCCATTTTGACAGAGATAGCGG-3'
Protein context (NP_000129.3, residues 466-486): IPTPGSYRCE[Cys476Trp]NKGFQLDLRG

ClinVar aggregate classification (germline): Pathogenic/Likely pathogenic. Review status: criteria provided, multiple submitters, no conflicts (2 of 4 stars). 2 submissions from 2 submitters: Pathogenic (1); Likely pathogenic (1). Last evaluated 2023-10-22.

Conditions:
Marfan syndrome (MFS). Also called: Marfan's syndrome; Marfan syndrome, classic; MARFAN SYNDROME, TYPE I; Marfan syndrome type 1; FBN1-Related Marfan Syndrome. Identifiers: Orphanet 284963, Orphanet 558, MedGen C0024796, MONDO:0007947, OMIM 154700.
Familial thoracic aortic aneurysm and aortic dissection (TAAD). Also called: Thoracic aortic aneurysms and dissections. Identifiers: Orphanet 91387, MedGen C4707243, MONDO:0019625.

Submissions (2):

Labcorp Genetics (formerly Invitae), Labcorp
Classification: Pathogenic for Marfan syndrome; Familial thoracic aortic aneurysm and aortic dissection. Last evaluated: 2023-10-22. Review status: criteria provided, single submitter. Criteria: Invitae Variant Classification Sherloc (09022015). Collection method: clinical testing. Allele origin: germline.
Comment: This sequence change replaces cysteine, which is neutral and slightly polar, with tryptophan, which is neutral and slightly polar, at codon 476 of the FBN1 protein (p.Cys476Trp). This variant is not present in population databases (gnomAD no frequency). This variant has not been reported in the literature in individuals affected with FBN1-related conditions. ClinVar contains an entry for this variant (Variation ID: 1772413). Advanced modeling of protein sequence and biophysical properties (such as structural, functional, and spatial information, amino acid conservation, physicochemical variation, residue mobility, and thermodynamic stability) performed at Invitae indicates that this missense variant is expected to disrupt FBN1 protein function with a positive predictive value of 95%. This variant affects a cysteine residue in the EGF-like, TGFBP or hybrid motif domains of FBN1. Cysteine residues are believed to be involved in intramolecular disulfide bridges and have been shown to be important for FBN1 protein structure (PMID: 16905551, 19349279). In addition, missense substitutions affecting cysteine residues within these domains are significantly overrepresented among patients with Marfan syndrome (PMID: 16571647, 17701892). This variant disrupts the p.Cys476 amino acid residue in FBN1. Other variant(s) that disrupt this residue have been observed in individuals with FBN1-related conditions (PMID: 10721679; Invitae), which suggests that this may be a clinically significant amino acid residue. For these reasons, this variant has been classified as Pathogenic.

Ambry Genetics
Classification: Likely pathogenic for Familial thoracic aortic aneurysm and aortic dissection. Last evaluated: 2017-02-02. Review status: criteria provided, single submitter. Criteria: Ambry Variant Classification Scheme 2023. Collection method: clinical testing. Allele origin: germline.
Comment: The p.C476W variant (also known as c.1428C>G), located in coding exon 11 of the FBN1 gene, results from a C to G substitution at nucleotide position 1428. The cysteine at codon 476 is replaced by tryptophan, an amino acid with highly dissimilar properties, and is located in the cb EGF-like #04 domain. The majority of FBN1 mutations identified to date have involved the substitution or generation of cysteine residues within cbEGF domains (Vollbrandt T et al. J Biol Chem. 2004;279(31):32924-32931). Based on internal structural analysis, this variant is predicted to eliminate a conserved disulfide bond in the cb EGF-like #04 domain, in which other pathogenic disulfide alterations are present (Jensen SA et al. Structure. 2009;17:759-68). This variant has not been described in the literature to date; however, other alterations involving the same amino acid, p.C476Y (c.1427G>A) and p.C476R (c.1426T>C), have been reported in a patients with classic Marfan syndrome or features of Marfan syndrome (Yang H et al. Sci Rep. 2016;6:33002; Zadeh N et al. Am J Med Genet. A, 2011;155A:2661-8), while p.C476G (c.1426T>G) has segregated with disease in a large family (Piersall LD et al. Hum Mol Genet. 1994;3:1013-4). This amino acid position is highly conserved in available vertebrate species. In addition, this alteration is predicted to be deleterious by in silico analysis. Based on the majority of available evidence to date, this variant is likely to be pathogenic.

Literature cited by the submitters: PubMed 16905551 (cited by Labcorp Genetics (formerly Invitae), Labcorp); PubMed 19349279 (cited by Labcorp Genetics (formerly Invitae), Labcorp); PubMed 16571647 (cited by Labcorp Genetics (formerly Invitae), Labcorp); PubMed 17701892 (cited by Labcorp Genetics (formerly Invitae), Labcorp); PubMed 10721679 (cited by Labcorp Genetics (formerly Invitae), Labcorp); PubMed 19446531 (cited by Ambry Genetics); PubMed 21932315 (cited by Ambry Genetics); PubMed 27611364 (cited by Ambry Genetics); PubMed 7951214 (cited by Ambry Genetics).